The following is an entry in ClinVar:

ClinVar aggregate classification (germline): Conflicting classifications of pathogenicity. Review status: criteria provided, conflicting classifications (1 of 4 stars). 3 submissions from 3 submitters: Uncertain significance (2); Likely benign (1). Last evaluated 2026-01-18.

Conditions:
Cardiovascular phenotype. Identifiers: MedGen CN230736.
Long QT syndrome (LQTS). Identifiers: MedGen C0023976, MeSH D008133, MONDO:0002442. Disease mechanism: loss of function. Inheritance: Various modes of inheritance.

Allele frequency attached by ClinVar (database versions not stated): gnomAD exomes 0.00004 and 0.00002; ExAC 0.00006; gnomAD 0.00004; ESP Exome Variant Server 0.00008.
gnomAD v4.1: 36 of 1,613,550 alleles (0.0022%); highest among the groups gnomAD compares: Middle Eastern, 0.049%; no homozygotes.

Submissions (3):

Labcorp Genetics (formerly Invitae), Labcorp
Classification: Uncertain significance for Long QT syndrome. Last evaluated: 2026-01-18. Review status: criteria provided, single submitter. Criteria: Invitae Variant Classification Sherloc (09022015). Collection method: clinical testing. Allele origin: germline.
Comment: This sequence change replaces arginine, which is basic and polar, with tryptophan, which is neutral and slightly polar, at codon 1867 of the CACNA1C protein (p.Arg1867Trp). This variant is present in population databases (rs369421219, gnomAD 0.03%). This variant has not been reported in the literature in individuals affected with CACNA1C-related conditions. ClinVar contains an entry for this variant (Variation ID: 180286). Invitae Evidence Modeling of protein sequence and biophysical properties (such as structural, functional, and spatial information, amino acid conservation, physicochemical variation, residue mobility, and thermodynamic stability) indicates that this missense variant is not expected to disrupt CACNA1C protein function with a negative predictive value of 95%. In summary, the available evidence is currently insufficient to determine the role of this variant in disease. Therefore, it has been classified as a Variant of Uncertain Significance.

Blueprint Genetics
Classification: Uncertain significance. Last evaluated: 2024-10-10. Review status: criteria provided, single submitter. Criteria: ACMG Guidelines, 2015. Collection method: clinical testing. Allele origin: germline.

Ambry Genetics
Classification: Likely benign for Cardiovascular phenotype. Last evaluated: 2021-12-29. Review status: criteria provided, single submitter. Criteria: Ambry Variant Classification Scheme 2023. Collection method: clinical testing. Allele origin: germline.

NM_000719.7(CACNA1C):c.5599C>T (p.Arg1867Trp)

Genes: CACNA1C (calcium voltage-gated channel subunit alpha1 C; plus strand), CACNA1C-AS1 (CACNA1C antisense RNA 1; minus strand). Cytogenetic location: 12p13.33.
Variant type: single nucleotide variant.
Coding change: c.5599C>T on transcript NM_000719.7 (MANE Select); coding-DNA position 5599, C replaced by T.
Protein change: p.Arg1867Trp; replaces arginine 1867 with tryptophan.
Molecular consequence: missense variant.
Genome position (GRCh38, 1-based): chr12:2,685,761, C>T. VCF-style: chr12-2685761-C-T. GRCh37 (hg19) VCF-style: chr12-2794927-C-T.
Other names: c.5743C>T, p.Arg1915Trp (NM_001129827.2); c.5722C>T, p.Arg1908Trp (NM_001129829.2); c.5704C>T, p.Arg1902Trp (NM_001129830.3, NM_001167624.3); c.5683C>T, p.Arg1895Trp (NM_001129831.2); c.5659C>T, p.Arg1887Trp (NM_001129832.2); c.5656C>T, p.Arg1886Trp (NM_001129833.2, NM_001129834.2, NM_001129835.2); c.5599C>T, p.Arg1867Trp (NM_001167623.2, NM_001129840.2, NM_001129841.2 and 2 more transcripts); c.5779C>T, p.Arg1927Trp (NM_001167625.2); and 6 more; short protein forms R1867W, R1902W, R1915W, R1856W, R1864W, R1875W, R1884W, R1886W.
Identifiers: ClinVar variation 180286 (VCV000180286.14), dbSNP rs369421219, ClinGen allele CA346221.
Genomic context (GRCh38, chr12:2,685,761, plus strand): 5'-CTCCAGGAACAAGCCCCATGAGCTCTCTGTTCCAGGCTCTCCTACCAGGATGACGAAAAT[C>T]GGCAACTGACGCTCCCAGAGGAGGACAAGAGGGACATCCGGCAATCTCCGAAGAGGGGTT-3'
Protein context (NP_000710.5, residues 1857-1877): EMLSYQDDEN[Arg1867Trp]QLTLPEEDKR